The following is an entry in ClinVar:

ClinVar aggregate classification (germline): Likely pathogenic (1 of 4 stars; one submission).

Conditions:
Combined immunodeficiency due to LRBA deficiency. Also called: Common variable immunodeficiency 8, with autoimmunity. Identifiers: Orphanet 445018, MedGen C3553512, MONDO:0013863, OMIM 614700.

Submission:

Labcorp Genetics (formerly Invitae), Labcorp
Classification: Likely pathogenic for Combined immunodeficiency due to LRBA deficiency. Last evaluated: 2019-05-14. Review status: criteria provided, single submitter. Criteria: Invitae Variant Classification Sherloc (09022015). Collection method: clinical testing. Allele origin: germline.
Comment: In summary, the currently available evidence indicates that the variant is pathogenic, but additional data are needed to prove that conclusively. Therefore, this variant has been classified as Likely Pathogenic. Donor and acceptor splice site variants typically lead to a loss of protein function (PMID: 16199547), and loss-of-function variants in LRBA are known to be pathogenic (PMID: 26206937, 26768763). Algorithms developed to predict the effect of sequence changes on RNA splicing suggest that this variant may disrupt the consensus splice site, but this prediction has not been confirmed by published transcriptional studies. This variant has not been reported in the literature in individuals with LRBA-related conditions. This variant is not present in population databases (ExAC no frequency). This sequence change affects a donor splice site in intron 14 of the LRBA gene. It is expected to disrupt RNA splicing and likely results in an absent or disrupted protein product.

Literature cited by the submitters: PubMed 16199547; PubMed 26206937; PubMed 26768763.

NM_001364905.1(LRBA):c.1924+2T>A

Gene: LRBA (LPS responsive beige-like anchor protein; minus strand). Cytogenetic location: 4q31.3.
Variant type: single nucleotide variant.
Coding change: c.1924+2T>A on transcript NM_001364905.1 (MANE Select); the canonical splice donor site of the intron after coding-DNA position 1924, T replaced by A.
Molecular consequence: splice donor variant.
Genome position (GRCh38, 1-based): chr4:150,900,047, A>T on the plus strand (T>A on the coding strand, the complement: LRBA is on the minus strand). VCF-style: chr4-150900047-A-T. GRCh37 (hg19) VCF-style: chr4-151821199-A-T.
Other names: c.1924+2T>A (NM_001367550.1, NM_006726.5, NM_001199282.3 and 2 more transcripts).
Identifiers: ClinVar variation 834587 (VCV000834587.8), dbSNP rs1730552437, ClinGen allele CA358429961.